The following is an entry in ClinVar:

NM_003924.4(PHOX2B):c.749C>T (p.Ala250Val)

Genes: PHOX2B (paired like homeobox 2B; minus strand), LOC110011216 (paired like homeobox 2b polyalanine repeat instability region; plus strand). Cytogenetic location: 4p13.
Variant type: single nucleotide variant.
Coding change: c.749C>T on transcript NM_003924.4 (MANE Select); coding-DNA position 749, C replaced by T.
Protein change: p.Ala250Val; replaces alanine 250 with valine.
Molecular consequence: missense variant.
Genome position (GRCh38, 1-based): chr4:41,746,003, G>A on the plus strand (C>T on the coding strand, the complement: PHOX2B is on the minus strand). VCF-style: chr4-41746003-G-A. GRCh37 (hg19) VCF-style: chr4-41748020-G-A.
Other names: short protein forms A250V.
Identifiers: ClinVar variation 5026551 (VCV005026551.1).

ClinVar aggregate classification (germline): Uncertain significance (1 of 4 stars; one submission).

Conditions:
Hereditary cancer-predisposing syndrome. Also called: Neoplastic Syndromes, Hereditary; Tumor predisposition; Hereditary neoplastic syndrome; Hereditary Cancer Syndrome. Identifiers: Orphanet 140162, MedGen C0027672, MeSH D009386, MONDO:0015356.

Submission:

Ambry Genetics
Classification: Uncertain significance for Hereditary cancer-predisposing syndrome. Last evaluated: 2026-07-06. Review status: criteria provided, single submitter. Criteria: Ambry Variant Classification Scheme 2023. Collection method: clinical testing. Allele origin: germline.
Comment: The p.A250V variant (also known as c.749C>T), located in coding exon 3 of the PHOX2B gene, results from a C to T substitution at nucleotide position 749. The alanine at codon 250 is replaced by valine, an amino acid with similar properties. This amino acid position is conserved. In addition, this alteration is predicted to be tolerated by in silico analysis. Based on the available evidence, the clinical significance of this variant remains unclear.